The following is an entry in ClinVar:

NM_001001548.3(CD36):c.429+2T>C

Gene: CD36 (CD36 molecule (CD36 blood group); plus strand). Cytogenetic location: 7q21.11.
Variant type: single nucleotide variant.
Coding change: c.429+2T>C on transcript NM_001001548.3 (MANE Select); the canonical splice donor site of the intron after coding-DNA position 429, T replaced by C.
Molecular consequence: splice donor variant.
Genome position (GRCh38, 1-based): chr7:80,661,212, T>C. VCF-style: chr7-80661212-T-C. GRCh37 (hg19) VCF-style: chr7-80290528-T-C.
Other names: c.429+2T>C (NM_001371075.1, NM_001001547.3, NM_001371074.1 and 8 more transcripts); c.-54+2T>C (NM_001371081.1); c.201+2T>C (NM_001289911.2); c.-37+2T>C (NM_001371080.1); c.327+2T>C (NM_001371079.1).
Identifiers: ClinVar variation 417962 (VCV000417962.12), dbSNP rs3211893, ClinGen allele CA4315162.

ClinVar aggregate classification (germline): Conflicting classifications of pathogenicity. Review status: criteria provided, conflicting classifications (1 of 4 stars). 9 submissions from 9 submitters: Likely pathogenic (3); Uncertain significance (3); Benign (1). 2 of the submissions do not count toward it. Last evaluated 2025-11-21.

Conditions:
CD36-related disorder. Also called: CD36-related condition; CD36-related disorders.
Platelet-type bleeding disorder 10. Also called: CD36 DEFICIENCY. Identifiers: MedGen C1842090, MONDO:0012031, OMIM 608404.
Malaria, susceptibility to. Identifiers: Orphanet 673, MedGen C1970028, MONDO:0021024, OMIM 611162.
Coronary heart disease, susceptibility to, 7. Identifiers: MedGen C1970441, MONDO:0012585, OMIM 610938.

Allele frequency attached by ClinVar (database versions not stated): ESP Exome Variant Server 0.00169; gnomAD 0.00206 and 0.00220; TOPMed 0.00246; 1000 Genomes Project 0.00300.
gnomAD v4.1: 684 of 1,613,518 alleles (0.042%); highest among the groups gnomAD compares: African/African-American, 0.79%; 1 homozygote.

Submissions (9):

PreventionGenetics, part of Exact Sciences
Classification: Uncertain significance for CD36-related condition. Last evaluated: 2025-11-21. Review status: criteria provided, single submitter. Criteria: ACMG Guidelines, 2015. Collection method: clinical testing. Allele origin: germline.
Comment: The CD36 c.429+2T>C variant is predicted to disrupt the GT donor site and interfere with normal splicing. This variant was reported in an individual with CD36 deficiency (Romasko et al. 2018. PubMed ID: 28960434). This variant was also reported in an individual with primary renal synovial sarcoma who was found to have an SS18::NEDD4 gene fustion and an individual with rosette-forming glioneuronal tumor of the fourth ventrical (Patton et al. 2022. PubMed ID: 35639915; table S2, Lin et al. 2016. PubMed ID: 27626068). Additionally, this variant was reported in cohorts for cardiovascular disease and preconception carrier screening (supplementary table 1, Glicksberg et al. 2019. PubMed ID: 31345219; supplementary table 1, Capalbo et al. 2019. PubMed ID: 31589614). This variant is reported in 0.70% of alleles in individuals of African descent in gnomAD. Although we suspect that this variant may be pathogenic, at this time, the clinical significance of this variant is uncertain due to the absence of conclusive functional and genetic evidence.

Women's Health and Genetics/Laboratory Corporation of America, LabCorp
Classification: Likely pathogenic for CD36-Related Disorders. Last evaluated: 2025-05-29. Review status: criteria provided, single submitter. Criteria: LabCorp Variant Classification Summary - May 2015. Collection method: clinical testing. Allele origin: germline.
Comment: Variant summary: CD36 c.429+2T>C is located in a canonical splice-site and is predicted to affect mRNA splicing resulting in a significantly altered protein due to either exon skipping, shortening, or inclusion of intronic material. Variants that disrupt the consensus splice site are a relatively common cause of aberrant splicing and loss of CD36 function. Several computational tools predict a significant impact on normal splicing: Four predict the variant abolishes a 5 splicing donor site. However, these predictions have yet to be confirmed by functional studies. The variant allele was found at a frequency of 0.00055 in 250962 control chromosomes. This frequency is not significantly higher than estimated for a pathogenic variant in CD36 causing CD36-Related Disorders, allowing no conclusion about variant significance. c.429+2T>C has been reported in the literature in at least one individual affected with a suspected inherited thrombocytopenia or platelet function disorder (e.g., Romasko_2018). The report does not provide unequivocal conclusions about association of the variant with CD36-Related Disorders. To our knowledge, no experimental evidence demonstrating an impact on protein function has been reported. The following publication have been ascertained in the context of this evaluation (PMID: 28960434). ClinVar contains an entry for this variant (Variation ID: 417962). Based on the evidence outlined above, the variant was classified as likely pathogenic.

Dasa
Classification: Likely pathogenic for Platelet-type bleeding disorder 10. Last evaluated: 2025-02-13. Review status: criteria provided, single submitter. Criteria: DASA Assertion Criteria. Collection method: clinical testing. Allele origin: germline.
Comment: NM_001001548.3(CD36):c.429+2T>C affects a canonical splice site and is predicted to disrupt normal RNA splicing. Loss of function is an established disease mechanism for CD36-associated disorders. This variant has been reported in individuals with CD36-related disorders (PMID: 28960434). Also, this variant is rare in population databases. Based on the currently available evidence, this variant is classified as likely pathogenic.

Fulgent Genetics
Classification: Likely pathogenic for Platelet-type bleeding disorder 10; Coronary heart disease, susceptibility to, 7; Malaria, susceptibility to. Last evaluated: 2024-03-29. Review status: criteria provided, single submitter. Criteria: ACMG Guidelines, 2015. Collection method: clinical testing. Allele origin: germline.

Genomic Medicine Center of Excellence, King Faisal Specialist Hospital and Research Centre
Classification: Uncertain significance for Platelet-type bleeding disorder 10. Last evaluated: 2024-03-26. Review status: criteria provided, single submitter. Criteria: ACMG Guidelines, 2015. Collection method: clinical testing. Allele origin: germline.

GeneDx
Classification: Uncertain significance. Last evaluated: 2023-05-19. Review status: criteria provided, single submitter. Criteria: GeneDx Variant Classification Process June 2021. Collection method: clinical testing. Allele origin: germline. Affected: yes.
Comment: Canonical splice site variant predicted to result in a null allele in a gene for which loss of function is a known mechanism of disease; This variant is associated with the following publications: (PMID: 31589614, 31345219, 35639915, 27626068, 28960434)

H3Africa Consortium
Classification: Benign. Last evaluated: 2020-10-28. Review status: criteria provided, single submitter. Criteria: Choudhury A et al. (Nature 2020). Collection method: research. Allele origin: germline. Study: H3Africa.
Comment: While the frequency of the alternate allele in gnoMAD v2.0.2 is 0.092, its frequency in African populations is >5%. This suggests that previous classifications of this variant as pathogenic are in error.

Reproductive Health Research and Development, BGI Genomics
Classification: Likely pathogenic for Platelet glycoprotein IV deficiency. Last evaluated: 2020-01-06. Review status: no assertion criteria provided. Collection method: curation. Allele origin: germline. Not counted in ClinVar's aggregate classification.
Comment: NG_008192.1(NM_001001547.2):c.429+2T>C in the CD36 gene has an allele frequency of 0.007 in African subpopulation, and in 0.0006977 global alleles in the gnomAD database. The c.429+2T>C variant destroys the canonical splice donor site. It is predicted to cause abnormal gene splicing, either leading to an abnormal message that is subject to nonsense-mediated mRNA decay or to an abnormal protein product if the message is used for protein translation. Taken together, we interprete this variant as Pathogenic/Likely pathogenic. ACMG/AMP Criteria applied: PVS1; PM2.

Division of Human Genetics, Children's Hospital of Philadelphia
Classification: Likely pathogenic for Coronary heart disease, susceptibility to, 7; Malaria, susceptibility to; Platelet-type bleeding disorder 10. Last evaluated: 2016-08-06. Review status: no assertion criteria provided. Collection method: research. Allele origin: paternal. Affected: yes. Study: CSER-PediSeq. Not counted in ClinVar's aggregate classification.

Literature cited by the submitters: PubMed 28960434 (cited by Women's Health and Genetics/Laboratory Corporation of America, LabCorp and Dasa).